The following is an entry in ClinVar:

NM_001903.5(CTNNA1):c.1900-5G>A

Gene: CTNNA1 (catenin alpha 1; plus strand). Cytogenetic location: 5q31.2.
Variant type: single nucleotide variant.
Coding change: c.1900-5G>A on transcript NM_001903.5 (MANE Select); 5 bases into the intron before coding-DNA position 1900, G replaced by A.
Molecular consequence: intron variant.
Genome position (GRCh38, 1-based): chr5:138,929,241, G>A. VCF-style: chr5-138929241-G-A. GRCh37 (hg19) VCF-style: chr5-138264930-G-A.
Other names: c.1900-5G>A (NM_001323982.2, NM_001323984.2, NM_001290307.3 and 2 more transcripts); c.1807-5G>A (NM_001323986.2); c.1531-5G>A (NM_001290310.3); c.1591-5G>A (NM_001290309.3); c.790-5G>A (NM_001323996.1, NM_001323993.1, NM_001324005.1 and 17 more transcripts); c.451-5G>A (NM_001324007.1, NM_001324009.1, NM_001324006.1 and 2 more transcripts); c.547-5G>A (NM_001324013.1, NM_001324012.1); c.697-5G>A (NM_001324011.1).
Identifiers: ClinVar variation 4721866 (VCV004721866.1).
Genomic context (GRCh38, chr5:138,929,241, plus strand): 5'-TCAGGGTGGCTGGGGGCTGGTGGCCCAGAGATGTGTCTGACCTGTGATCTTTGTCTGGGT[G>A]GCAGACCCCTGAGGAGTTGGATGACTCTGACTTTGAGACAGAAGATTTTGATGTCAGAAG-3'

ClinVar aggregate classification (germline): Uncertain significance (1 of 4 stars; one submission).

Submission:

Labcorp Genetics (formerly Invitae), Labcorp
Classification: Uncertain significance. Last evaluated: 2025-06-22. Review status: criteria provided, single submitter. Criteria: Invitae Variant Classification Sherloc (09022015). Collection method: clinical testing. Allele origin: germline.
Comment: This sequence change falls in intron 13 of the CTNNA1 gene. It does not directly change the encoded amino acid sequence of the CTNNA1 protein. This variant is not present in population databases (gnomAD no frequency). This variant has not been reported in the literature in individuals affected with CTNNA1-related conditions. Algorithms developed to predict the effect of sequence changes on RNA splicing suggest that this variant may create or strengthen a splice site. In summary, the available evidence is currently insufficient to determine the role of this variant in disease. Therefore, it has been classified as a Variant of Uncertain Significance.